The following is an entry in ClinVar:

ClinVar aggregate classification (germline): Likely benign. Review status: criteria provided, multiple submitters, no conflicts (2 of 4 stars). 4 submissions from 4 submitters: Likely benign (3). 1 of the submissions does not count toward it. Last evaluated 2025-12-27.

Conditions:
CDH2-related disorder. Also called: CDH2-related condition.
Inborn genetic diseases. Identifiers: MedGen C0950123, MeSH D030342.

Allele frequency attached by ClinVar (database versions not stated): gnomAD exomes 0.00004; ExAC 0.00006; ESP Exome Variant Server 0.00015; gnomAD 0.00017 and 0.00018; TOPMed 0.00017; 1000 Genomes Project 0.00060; 1000 Genomes Project 30x 0.00062.
gnomAD v4.1: 43 of 1,614,042 alleles (0.0027%); highest among the groups gnomAD compares: African/African-American, 0.056%; no homozygotes.

Submissions (4):

Labcorp Genetics (formerly Invitae), Labcorp
Classification: Likely benign. Last evaluated: 2025-12-27. Review status: criteria provided, single submitter. Criteria: Invitae Variant Classification Sherloc (09022015). Collection method: clinical testing. Allele origin: germline.

Blueprint Genetics
Classification: Likely benign. Last evaluated: 2022-12-21. Review status: criteria provided, single submitter. Criteria: ACMG Guidelines, 2015. Collection method: clinical testing. Allele origin: germline.

Ambry Genetics
Classification: Likely benign for Inborn genetic diseases. Last evaluated: 2019-06-21. Review status: criteria provided, single submitter. Criteria: Ambry Variant Classification Scheme 2023. Collection method: clinical testing. Allele origin: germline.

PreventionGenetics, part of Exact Sciences
Classification: Likely benign for CDH2-related condition. Last evaluated: 2021-12-29. Review status: no assertion criteria provided. Collection method: clinical testing. Allele origin: germline. Not counted in ClinVar's aggregate classification.
Comment: This variant is classified as likely benign based on ACMG/AMP sequence variant interpretation guidelines (Richards et al. 2015 PMID: 25741868, with internal and published modifications).

NM_001792.5(CDH2):c.2388G>A (p.Val796=)

Genes: CDH2 (cadherin 2; minus strand), CDH2-AS1 (CDH2 antisense RNA 1; plus strand). Cytogenetic location: 18q12.1.
Variant type: single nucleotide variant.
Coding change: c.2388G>A on transcript NM_001792.5 (MANE Select); coding-DNA position 2388, G replaced by A.
Protein change: p.Val796=; no amino-acid change (valine 796 retained).
Molecular consequence: synonymous variant.
Genome position (GRCh38, 1-based): chr18:27,963,483, C>T on the plus strand (G>A on the coding strand, the complement: CDH2 is on the minus strand). VCF-style: chr18-27963483-C-T. GRCh37 (hg19) VCF-style: chr18-25543447-C-T.
Other names: c.2295G>A, p.Val765= (NM_001308176.2); c.2388G>A (NM_001792.4).
Identifiers: ClinVar variation 1642051 (VCV001642051.13), dbSNP rs144790653, ClinGen allele CA8923158.
Genomic context (GRCh38, chr18:27,963,483, plus strand): 5'-GGCGTGGATGGGTCTTTCATCCATTCGTCGGATTCCCACAGGCTTGATGGCATCAGGCTC[C>T]ACAGTGTCAGGCTGCTGCAGCTGGCTCAAGTCATAGTCCTGCAAAAAGACAAAATCAAAA-3'
Protein context (NP_001783.2, residues 786-806): DLSQLQQPDT[Val796=]EPDAIKPVGI